The following is an entry in ClinVar:

ClinVar aggregate classification (germline): Uncertain significance. Review status: criteria provided, multiple submitters, no conflicts (2 of 4 stars). 2 submissions from 2 submitters: Uncertain significance (2). Last evaluated 2024-11-12.

Conditions:
Inborn genetic diseases. Identifiers: MedGen C0950123, MeSH D030342.
Spastic paraplegia. Identifiers: MedGen C0037772, HP:0001258.

Allele frequency attached by ClinVar (database versions not stated): TOPMed below 0.00001; ExAC 0.00001; gnomAD 0.00001; gnomAD exomes 0.00001.

Submissions (2):

Ambry Genetics
Classification: Uncertain significance for Inborn genetic diseases. Last evaluated: 2024-11-12. Review status: criteria provided, single submitter. Criteria: Ambry Variant Classification Scheme 2023. Collection method: clinical testing. Allele origin: germline.

Labcorp Genetics (formerly Invitae), Labcorp
Classification: Uncertain significance for Spastic paraplegia. Last evaluated: 2021-12-02. Review status: criteria provided, single submitter. Criteria: Invitae Variant Classification Sherloc (09022015). Collection method: clinical testing. Allele origin: germline.
Comment: In summary, the available evidence is currently insufficient to determine the role of this variant in disease. Therefore, it has been classified as a Variant of Uncertain Significance. Algorithms developed to predict the effect of missense changes on protein structure and function (SIFT, PolyPhen-2, Align-GVGD) all suggest that this variant is likely to be tolerated. This variant has not been reported in the literature in individuals affected with AP4E1-related conditions. This variant is present in population databases (rs750054206, gnomAD 0.003%). This sequence change replaces isoleucine, which is neutral and non-polar, with valine, which is neutral and non-polar, at codon 327 of the AP4E1 protein (p.Ile327Val).

NM_007347.5(AP4E1):c.979A>G (p.Ile327Val)

Gene: AP4E1 (adaptor related protein complex 4 subunit epsilon 1; plus strand). Cytogenetic location: 15q21.2.
Variant type: single nucleotide variant.
Coding change: c.979A>G on transcript NM_007347.5 (MANE Select); coding-DNA position 979, A replaced by G.
Protein change: p.Ile327Val; replaces isoleucine 327 with valine.
Molecular consequence: missense variant.
Genome position (GRCh38, 1-based): chr15:50,941,477, A>G. VCF-style: chr15-50941477-A-G. GRCh37 (hg19) VCF-style: chr15-51233674-A-G.
Other names: c.979A>G (NM_007347.3); c.754A>G, p.Ile252Val (NM_001252127.2); short protein forms I327V, I252V.
Identifiers: ClinVar variation 1506008 (VCV001506008.9), dbSNP rs750054206, ClinGen allele CA7558942.